The following is an entry in ClinVar:

NM_000059.4(BRCA2):c.2225_2252dup (p.Thr751_Asp752insThrPheLysSerGlyIleGlnTer)

Gene: BRCA2 (BRCA2 DNA repair associated; plus strand). Cytogenetic location: 13q13.1.
Variant type: Duplication.
Coding change: c.2225_2252dup on transcript NM_000059.4 (MANE Select); coding-DNA positions 2225 to 2252, 28 bases duplicated (AACATTCAAAAGTGGAATACAGTGATAC).
Protein change: p.Thr751_Asp752insThrPheLysSerGlyIleGlnTer.
Molecular consequence: nonsense, inframe insertion. On other transcripts: frameshift variant (2).
Genome position (GRCh38, 1-based): chr13:32,336,580-32,336,607, AACATTCAAAAGTGGAATACAGTGATAC duplicated; duplicating any 28 consecutive bases within chr13:32,336,577-32,336,607 gives the same sequence; the c. name uses the placement nearest the transcript's 3' end. VCF-style (leftmost placement, unchanged base first): chr13-32336576-G-GTACAACATTCAAAAGTGGAATACAGTGA. GRCh37 (hg19) VCF-style: chr13-32910713-G-GTACAACATTCAAAAGTGGAATACAGTGA.
Other names: c.2225_2252dup, p.Asp752Thrfs (NM_001406719.1, NM_001406720.1); c.2225_2252dupAACATTCAAAAGTGGAATACAGTGATAC (NM_000059.3).
Identifiers: ClinVar variation 2431300 (VCV002431300.2), dbSNP rs2548523437, ClinGen allele CA2580087250.

ClinVar aggregate classification (germline): Pathogenic. Review status: criteria provided, multiple submitters, no conflicts (2 of 4 stars). 2 submissions from 2 submitters: Pathogenic (2). Last evaluated 2024-05-02.

Conditions:
Breast-ovarian cancer, familial, susceptibility to, 2 (BROVCA2). Also called: BRCA2 Hereditary Breast and Ovarian Cancer. Identifiers: Orphanet 145, MedGen C2675520, MONDO:0012933, OMIM 612555. Disease mechanism: loss of function.
Hereditary cancer-predisposing syndrome. Also called: Hereditary neoplastic syndrome; Hereditary Cancer Syndrome; Tumor predisposition; Neoplastic Syndromes, Hereditary. Identifiers: Orphanet 140162, MedGen C0027672, MeSH D009386, MONDO:0015356.

Submissions (2):

Ambry Genetics
Classification: Pathogenic for Hereditary cancer-predisposing syndrome. Last evaluated: 2024-05-02. Review status: criteria provided, single submitter. Criteria: Ambry Variant Classification Scheme 2023. Collection method: clinical testing. Allele origin: germline.
Comment: The c.2225_2252dup28 pathogenic mutation, located in coding exon 10 of the BRCA2 gene, results from a duplication of 28 nucleotides at nucleotide positions 2225 to 2252, causing a translational frameshift with a predicted alternate stop codon (p.D752Tfs*8). This variant is considered to be rare based on population cohorts in the Genome Aggregation Database (gnomAD). This alteration is expected to result in loss of function by premature protein truncation or nonsense-mediated mRNA decay. As such, this alteration is interpreted as a disease-causing mutation.

Myriad Genetics, Inc.
Classification: Pathogenic for Breast-ovarian cancer, familial, susceptibility to, 2. Last evaluated: 2023-01-10. Review status: criteria provided, single submitter. Criteria: Myriad Autosomal Dominant, Autosomal Recessive and X-Linked Classification Criteria (2023). Collection method: clinical testing. Allele origin: unknown.
Comment: This variant is considered pathogenic. This variant creates a frameshift predicted to result in premature protein truncation.